The following is an entry in ClinVar:

NM_022124.6(CDH23):c.3471G>C (p.Gly1157=)

Genes: C10orf105 (chromosome 10 open reading frame 105; minus strand), CDH23 (cadherin related 23; plus strand). Cytogenetic location: 10q22.1.
Variant type: single nucleotide variant.
Coding change: c.3471G>C on transcript NM_022124.6 (MANE Select); coding-DNA position 3471, G replaced by C.
Protein change: p.Gly1157=; no amino-acid change (glycine 1157 retained).
Molecular consequence: synonymous variant. On other transcripts: intron variant (1).
Genome position (GRCh38, 1-based): chr10:71,725,412, G>C. VCF-style: chr10-71725412-G-C. GRCh37 (hg19) VCF-style: chr10-73485169-G-C.
Other names: c.3471G>C, p.Gly1157= (NM_001171930.2); c.-5-9070C>G (NM_001168390.2).
Identifiers: ClinVar variation 1641456 (VCV001641456.9), dbSNP rs1166679728, ClinGen allele CA470066156.
Genomic context (GRCh38, chr10:71,725,412, plus strand): 5'-GGGTCTGTCCCTCCACACAGGTAACCATGGCAACAACTTCCGGATCCATGTCAGCAATGG[G>C]CTCCTGATGCGAGGGCCCCGGCCCCTGGACCGGGAGCGGAACTCATCCCACGTGCTGATA-3'
Protein context (NP_071407.4, residues 1147-1167): GNNFRIHVSN[Gly1157=]LLMRGPRPLD

ClinVar aggregate classification (germline): Likely benign. Review status: criteria provided, multiple submitters, no conflicts (2 of 4 stars). 2 submissions from 2 submitters: Likely benign (2). Last evaluated 2026-07-01.

Allele frequency attached by ClinVar (database versions not stated): gnomAD exomes 0.00003 and below 0.00001.
gnomAD v4.1: 41 of 1,613,922 alleles (0.0025%); highest among the groups gnomAD compares: Non-Finnish European, 0.0034%; no homozygotes.

Submissions (2):

CeGaT Center for Human Genetics Tuebingen
Classification: Likely benign. Last evaluated: 2026-07-01. Review status: criteria provided, single submitter. Criteria: CeGaT Center For Human Genetics Tuebingen Variant Classification Criteria Version 2. Collection method: clinical testing. Allele origin: germline. Affected: yes. Observed: 1 variant allele.
Comment: CDH23: BP4, BP7

Labcorp Genetics (formerly Invitae), Labcorp
Classification: Likely benign. Last evaluated: 2024-02-03. Review status: criteria provided, single submitter. Criteria: Invitae Variant Classification Sherloc (09022015). Collection method: clinical testing. Allele origin: germline.